The following is an entry in ClinVar:

ClinVar aggregate classification (germline): Uncertain significance (1 of 4 stars; one submission).

Conditions:
Oligodontia-cancer predisposition syndrome. Also called: TOOTH AGENESIS-COLORECTAL CANCER SYNDROME. Identifiers: Orphanet 300576, MedGen C1837750, MONDO:0012075, OMIM 608615. Disease mechanism: loss of function.

Submission:

Labcorp Genetics (formerly Invitae), Labcorp
Classification: Uncertain significance for Oligodontia-cancer predisposition syndrome. Last evaluated: 2019-10-30. Review status: criteria provided, single submitter. Criteria: Invitae Variant Classification Sherloc (09022015). Collection method: clinical testing. Allele origin: germline.
Comment: In summary, the available evidence is currently insufficient to determine the role of this variant in disease. Therefore, it has been classified as a Variant of Uncertain Significance. Algorithms developed to predict the effect of missense changes on protein structure and function are either unavailable or do not agree on the potential impact of this missense change (SIFT: "Deleterious"; PolyPhen-2: "Probably Damaging"; Align-GVGD: "Class C0"). This variant has not been reported in the literature in individuals with AXIN2-related conditions. This variant is not present in population databases (ExAC no frequency). This sequence change replaces proline with threonine at codon 27 of the AXIN2 protein (p.Pro27Thr). The proline residue is highly conserved and there is a small physicochemical difference between proline and threonine.

NM_004655.4(AXIN2):c.79C>A (p.Pro27Thr)

Gene: AXIN2 (axin 2; minus strand). Cytogenetic location: 17q24.1.
Variant type: single nucleotide variant.
Coding change: c.79C>A on transcript NM_004655.4 (MANE Select); coding-DNA position 79, C replaced by A.
Protein change: p.Pro27Thr; replaces proline 27 with threonine.
Molecular consequence: missense variant.
Genome position (GRCh38, 1-based): chr17:65,558,542, G>T on the plus strand (C>A on the coding strand, the complement: AXIN2 is on the minus strand). VCF-style: chr17-65558542-G-T. GRCh37 (hg19) VCF-style: chr17-63554660-G-T.
Other names: c.79C>A, p.Pro27Thr (NM_001363813.1); short protein forms P27T.
Identifiers: ClinVar variation 969236 (VCV000969236.9), dbSNP rs2044311018, ClinGen allele CA400682264.